The following is an entry in ClinVar:

NM_001365951.3(KIF1B):c.649T>G (p.Ser217Ala)

Gene: KIF1B (kinesin family member 1B; plus strand). Cytogenetic location: 1p36.22.
Variant type: single nucleotide variant.
Coding change: c.649T>G on transcript NM_001365951.3 (MANE Select); coding-DNA position 649, T replaced by G.
Protein change: p.Ser217Ala; replaces serine 217 with alanine.
Molecular consequence: missense variant.
Genome position (GRCh38, 1-based): chr1:10,268,192, T>G. VCF-style: chr1-10268192-T-G. GRCh37 (hg19) VCF-style: chr1-10328250-T-G.
Other names: c.649T>G, p.Ser217Ala (NM_001365952.1, NM_001365953.1, NM_015074.3 and 1 more transcripts); short protein forms S217A.
Identifiers: ClinVar variation 4543690 (VCV004543690.1).

ClinVar aggregate classification (germline): Uncertain significance (1 of 4 stars; one submission).

Submission:

Ambry Genetics
Classification: Uncertain significance. Last evaluated: 2025-12-09. Review status: criteria provided, single submitter. Criteria: Ambry Variant Classification Scheme 2023. Collection method: clinical testing. Allele origin: germline.
Comment: The p.S217A variant (also known as c.649T>G), located in coding exon 6 of the KIF1B gene, results from a T to G substitution at nucleotide position 649. The serine at codon 217 is replaced by alanine, an amino acid with similar properties. This amino acid position is conserved. In addition, this alteration is predicted to be deleterious by in silico analysis. Based on the available evidence, the clinical significance of this variant remains unclear.